The following is an entry in ClinVar:

ClinVar aggregate classification (germline): Uncertain significance (1 of 4 stars; one submission).

Allele frequency attached by ClinVar (database versions not stated): ExAC 0.00005; gnomAD 0.00007; ESP Exome Variant Server 0.00017; TOPMed 0.00007.
gnomAD v4.1: 134 of 1,611,076 alleles (0.0083%); highest among the groups gnomAD compares: Non-Finnish European, 0.011%; no homozygotes.

Submission:

Ambry Genetics
Classification: Uncertain significance. Last evaluated: 2026-03-17. Review status: criteria provided, single submitter. Criteria: Ambry Variant Classification Scheme 2023. Collection method: clinical testing. Allele origin: germline.
Comment: The c.2576G>A (p.R859Q) alteration is located in exon 25 (coding exon 25) of the SNX13 gene. This alteration results from a G to A substitution at nucleotide position 2576, causing the arginine (R) at amino acid position 859 to be replaced by a glutamine (Q). Based on data from gnomAD, the A allele has an overall frequency of 0.005% (14/279466) total alleles studied. The highest observed frequency was 0.009% (12/127644) of European (non-Finnish) alleles. Based on insufficient or conflicting evidence, the clinical significance of this alteration remains unclear.

NM_015132.5(SNX13):c.2576G>A (p.Arg859Gln)

Gene: SNX13 (sorting nexin 13; minus strand). Cytogenetic location: 7p21.1.
Variant type: single nucleotide variant.
Coding change: c.2576G>A on transcript NM_015132.5 (MANE Select); coding-DNA position 2576, G replaced by A.
Protein change: p.Arg859Gln; replaces arginine 859 with glutamine.
Molecular consequence: missense variant. On other transcripts: non-coding transcript variant (2).
Genome position (GRCh38, 1-based): chr7:17,796,877, C>T on the plus strand (G>A on the coding strand, the complement: SNX13 is on the minus strand). VCF-style: chr7-17796877-C-T. GRCh37 (hg19) VCF-style: chr7-17836500-C-T.
Other names: c.2609G>A, p.Arg870Gln (NM_001350862.2); c.2336G>A, p.Arg779Gln (NM_001350863.2); c.2270G>A, p.Arg757Gln (NM_001350864.2, NM_001350865.1); c.1967G>A, p.Arg656Gln (NM_001350866.2, NM_001350867.2); short protein forms R656Q, R779Q, R757Q, R870Q, R859Q.
Identifiers: ClinVar variation 2509151 (VCV002509151.3), dbSNP rs369004312, ClinGen allele CA4172411.